The following is an entry in ClinVar:

ClinVar aggregate classification (germline): Uncertain significance (1 of 4 stars; one submission).

Conditions:
Norman-Roberts syndrome (LIS2). Also called: Lissencephaly 2 (Norman-Roberts type). Identifiers: Orphanet 89844, MedGen C0796089, MONDO:0009760, OMIM 257320.
Familial temporal lobe epilepsy 7. Identifiers: Orphanet 101046, MedGen C4225327, MONDO:0014639, OMIM 616436.

Submission:

Labcorp Genetics (formerly Invitae), Labcorp
Classification: Uncertain significance for Familial temporal lobe epilepsy 7; Norman-Roberts syndrome. Last evaluated: 2023-08-10. Review status: criteria provided, single submitter. Criteria: Invitae Variant Classification Sherloc (09022015). Collection method: clinical testing. Allele origin: germline.
Comment: In summary, the available evidence is currently insufficient to determine the role of this variant in disease. Therefore, it has been classified as a Variant of Uncertain Significance. Advanced modeling of protein sequence and biophysical properties (such as structural, functional, and spatial information, amino acid conservation, physicochemical variation, residue mobility, and thermodynamic stability) performed at Invitae indicates that this missense variant is not expected to disrupt RELN protein function. This variant has not been reported in the literature in individuals affected with RELN-related conditions. This variant is present in population databases (no rsID available, gnomAD 0.003%). This sequence change replaces serine, which is neutral and polar, with phenylalanine, which is neutral and non-polar, at codon 304 of the RELN protein (p.Ser304Phe).

NM_005045.4(RELN):c.911C>T (p.Ser304Phe)

Gene: RELN (reelin; minus strand). Cytogenetic location: 7q22.1.
Variant type: single nucleotide variant.
Coding change: c.911C>T on transcript NM_005045.4 (MANE Select); coding-DNA position 911, C replaced by T.
Protein change: p.Ser304Phe; replaces serine 304 with phenylalanine.
Molecular consequence: missense variant.
Genome position (GRCh38, 1-based): chr7:103,698,085, G>A on the plus strand (C>T on the coding strand, the complement: RELN is on the minus strand). VCF-style: chr7-103698085-G-A. GRCh37 (hg19) VCF-style: chr7-103338532-G-A.
Other names: c.911C>T, p.Ser304Phe (NM_173054.3); short protein forms S304F.
Identifiers: ClinVar variation 2931114 (VCV002931114.3), dbSNP rs777543027, ClinGen allele CA368927903.
Genomic context (GRCh38, chr7:103,698,085, plus strand): 5'-ACATTCTCCCCTTTGGCGTCCTCAGGAAGGTAGAGGATATGGATGATTGTGCTGACATTG[G>A]AAGGGGCTCTGGAACATACAGAGAGATGGCAAGTTTAGCAATGCTGACTTTTTCTTTCTT-3'
Protein context (NP_005036.2, residues 294-314): WIQLEKIRAP[Ser304Phe]NVSTIIHILY